The following is an entry in ClinVar:

NM_001369.3(DNAH5):c.1502T>C (p.Ile501Thr)

Gene: DNAH5 (dynein axonemal heavy chain 5; minus strand). Cytogenetic location: 5p15.2.
Variant type: single nucleotide variant.
Coding change: c.1502T>C on transcript NM_001369.3 (MANE Select); coding-DNA position 1502, T replaced by C.
Protein change: p.Ile501Thr; replaces isoleucine 501 with threonine.
Molecular consequence: missense variant.
Genome position (GRCh38, 1-based): chr5:13,913,777, A>G on the plus strand (T>C on the coding strand, the complement: DNAH5 is on the minus strand). VCF-style: chr5-13913777-A-G. GRCh37 (hg19) VCF-style: chr5-13913886-A-G.
Other names: short protein forms I501T.
Identifiers: ClinVar variation 570595 (VCV000570595.13), dbSNP rs746819760, ClinGen allele CA3204836.
Genomic context (GRCh38, chr5:13,913,777, plus strand): 5'-TAAAATATAGCTTTAAAGTACAATACCTGGTATTTAGTGGCCATGTCTTCCAGCCCTTCA[A>G]TTGTGGAATCTTGCAGGACTGAATACGTCTTGAGGGTTGTAAAGATGTCTATTATCTTGG-3'
Protein context (NP_001360.1, residues 491-511): KTYSVLQDST[Ile501Thr]EGLEDMATKY

ClinVar aggregate classification (germline): Uncertain significance. Review status: criteria provided, multiple submitters, no conflicts (2 of 4 stars). 3 submissions from 3 submitters: Uncertain significance (2). 1 of the submissions does not count toward it. Last evaluated 2024-10-08.

Conditions:
Primary ciliary dyskinesia. Also called: Ciliary dyskinesia. Identifiers: Orphanet 244, MedGen C0008780, MONDO:0016575, HP:0012265.

Allele frequency attached by ClinVar (database versions not stated): gnomAD 0.00001; TOPMed 0.00002.
gnomAD v4.1: 17 of 1,613,388 alleles (0.0011%); highest among the groups gnomAD compares: Non-Finnish European, 0.0014%; no homozygotes.

Submissions (3):

Labcorp Genetics (formerly Invitae), Labcorp
Classification: Uncertain significance for Primary ciliary dyskinesia. Last evaluated: 2024-10-08. Review status: criteria provided, single submitter. Criteria: Invitae Variant Classification Sherloc (09022015). Collection method: clinical testing. Allele origin: germline.
Comment: This sequence change replaces isoleucine, which is neutral and non-polar, with threonine, which is neutral and polar, at codon 501 of the DNAH5 protein (p.Ile501Thr). This variant is present in population databases (rs746819760, gnomAD 0.003%). This variant has not been reported in the literature in individuals affected with DNAH5-related conditions. ClinVar contains an entry for this variant (Variation ID: 570595). Invitae Evidence Modeling of protein sequence and biophysical properties (such as structural, functional, and spatial information, amino acid conservation, physicochemical variation, residue mobility, and thermodynamic stability) indicates that this missense variant is not expected to disrupt DNAH5 protein function with a negative predictive value of 95%. In summary, the available evidence is currently insufficient to determine the role of this variant in disease. Therefore, it has been classified as a Variant of Uncertain Significance.

Ambry Genetics
Classification: Uncertain significance for Primary ciliary dyskinesia. Last evaluated: 2017-02-07. Review status: criteria provided, single submitter. Criteria: Ambry Variant Classification Scheme 2023. Collection method: clinical testing. Allele origin: germline.
Comment: The p.I501T variant (also known as c.1502T>C), located in coding exon 11 of the DNAH5 gene, results from a T to C substitution at nucleotide position 1502. The isoleucine at codon 501 is replaced by threonine, an amino acid with similar properties. This amino acid position is well conserved in available vertebrate species. In addition, this alteration is predicted to be tolerated by in silico analysis. Since supporting evidence is limited at this time, the clinical significance of this alteration remains unclear.

Natera, Inc.
Classification: Uncertain significance for Primary ciliary dyskinesia. Last evaluated: 2020-07-27. Review status: no assertion criteria provided. Collection method: clinical testing. Allele origin: germline. Not counted in ClinVar's aggregate classification.